The following is an entry in ClinVar:

ClinVar aggregate classification (germline): Likely benign (1 of 4 stars; one submission).

gnomAD v4.1: 1 of 1,612,684 alleles (0.000062%); highest among the groups gnomAD compares: Non-Finnish European, 0.000085%; no homozygotes.

Submission:

CeGaT Center for Human Genetics Tuebingen
Classification: Likely benign. Last evaluated: 2026-04-01. Review status: criteria provided, single submitter. Criteria: CeGaT Center For Human Genetics Tuebingen Variant Classification Criteria Version 2. Collection method: clinical testing. Allele origin: germline. Affected: yes. Observed: 1 variant allele.
Comment: PIGG: BP4, BP7

NM_001127178.3(PIGG):c.363A>T (p.Ala121=)

Gene: PIGG (phosphatidylinositol glycan anchor biosynthesis class G (EMM blood group); plus strand). Cytogenetic location: 4p16.3.
Variant type: single nucleotide variant.
Coding change: c.363A>T on transcript NM_001127178.3 (MANE Select); coding-DNA position 363, A replaced by T.
Protein change: p.Ala121=; no amino-acid change (alanine 121 retained).
Molecular consequence: synonymous variant. On other transcripts: 5 prime UTR variant (5), non-coding transcript variant (10), intron variant (1).
Genome position (GRCh38, 1-based): chr4:505,720, A>T. VCF-style: chr4-505720-A-T. GRCh37 (hg19) VCF-style: chr4-499509-A-T.
Other names: c.96A>T, p.Ala32= (NM_001289051.2, NM_001289053.2, NM_001289057.2 and 2 more transcripts); c.-4A>T (NM_001289055.2); c.-525A>T (NM_001345988.2); c.363A>T, p.Ala121= (NM_001345989.2, NM_017733.5); c.-1263A>T (NM_001345990.2); c.-1125A>T (NM_001345991.2); c.-850A>T (NM_001345994.2); c.361-3109A>T (NM_001289052.2).
Identifiers: ClinVar variation 4875499 (VCV004875499.2).
Genomic context (GRCh38, chr4:505,720, plus strand): 5'-CCTTTTCATGCTCCGGTTTTGGATTCAGTGGCCTAATTCTTGCATTTTCTGACTGCAGGC[A>T]TTGATGACGGGGAGCCTTCCTGGCTTTGTCGACGTCATCAGGAACCTCAATTCTCCTGCA-3'
Protein context (NP_001120650.1, residues 111-131): PPTVTMPRIK[Ala121=]LMTGSLPGFV